The following is an entry in ClinVar:

ClinVar aggregate classification (germline): Uncertain significance. Review status: criteria provided, multiple submitters, no conflicts (2 of 4 stars). 2 submissions from 2 submitters: Uncertain significance (2). Last evaluated 2025-06-23.

Conditions:
Familial thoracic aortic aneurysm and aortic dissection (TAAD). Also called: Thoracic aortic aneurysms and dissections. Identifiers: Orphanet 91387, MedGen C4707243, MONDO:0019625.

Allele frequency attached by ClinVar (database versions not stated): gnomAD exomes below 0.00001.
gnomAD v4.1: 2 of 1,614,200 alleles (0.00012%); highest among the groups gnomAD compares: Non-Finnish European, 0.00017%; no homozygotes.

Submissions (2):

Ambry Genetics
Classification: Uncertain significance for Familial thoracic aortic aneurysm and aortic dissection. Last evaluated: 2025-06-23. Review status: criteria provided, single submitter. Criteria: Ambry Variant Classification Scheme 2023. Collection method: clinical testing. Allele origin: germline.

GeneDx
Classification: Uncertain significance. Last evaluated: 2024-12-11. Review status: criteria provided, single submitter. Criteria: GeneDx Variant Classification Process June 2021. Collection method: clinical testing. Allele origin: germline. Affected: yes.
Comment: Has not been previously published as pathogenic or benign to our knowledge; Not observed at significant frequency in large population cohorts (gnomAD); In silico analysis supports that this missense variant has a deleterious effect on protein structure/function

NM_003242.6(TGFBR2):c.1220C>T (p.Thr407Ile)

Gene: TGFBR2 (transforming growth factor beta receptor 2; plus strand). Cytogenetic location: 3p24.1.
Variant type: single nucleotide variant.
Coding change: c.1220C>T on transcript NM_003242.6 (MANE Select); coding-DNA position 1220, C replaced by T.
Protein change: p.Thr407Ile; replaces threonine 407 with isoleucine.
Molecular consequence: missense variant.
Genome position (GRCh38, 1-based): chr3:30,672,403, C>T. VCF-style: chr3-30672403-C-T. GRCh37 (hg19) VCF-style: chr3-30713895-C-T.
Other names: c.1295C>T, p.Thr432Ile (NM_001024847.3); c.1403C>T, p.Thr468Ile (NM_001407126.1); c.1328C>T, p.Thr443Ile (NM_001407127.1); c.1247C>T, p.Thr416Ile (NM_001407128.1); c.1223C>T, p.Thr408Ile (NM_001407129.1); c.1220C>T, p.Thr407Ile (NM_001407130.1); c.1115C>T, p.Thr372Ile (NM_001407132.1, NM_001407133.1, NM_001407134.1 and 2 more transcripts); c.935C>T, p.Thr312Ile (NM_001407137.1); and 1 more; short protein forms T287I, T312I, T372I, T407I, T408I, T416I, T432I, T443I.
Identifiers: ClinVar variation 1706659 (VCV001706659.4), dbSNP rs896940233, ClinGen allele CA71529046.